The following is an entry in ClinVar:

ClinVar aggregate classification (germline): Benign (1 of 4 stars; one submission).

Allele frequency attached by ClinVar (database versions not stated): 1000 Genomes Project 0.05911; 1000 Genomes Project 30x 0.06043; TOPMed 0.08078; gnomAD 0.08245.
gnomAD v4.1: 11,385 of 121,228 alleles (9.4%); highest among the groups gnomAD compares: African/African-American, 16%; 603 homozygotes.

Submission:

GeneDx
Classification: Benign. Last evaluated: 2018-06-19. Review status: criteria provided, single submitter. Criteria: GeneDx Variant Classification (06012015). Collection method: clinical testing. Allele origin: germline. Affected: yes.
Comment: This variant is considered likely benign or benign based on one or more of the following criteria: it is a conservative change, it occurs at a poorly conserved position in the protein, it is predicted to be benign by multiple in silico algorithms, and/or has population frequency not consistent with disease.

NM_006859.4(LIAS):c.954+260G>A

Gene: LIAS (lipoic acid synthetase; plus strand). Cytogenetic location: 4p14.
Variant type: single nucleotide variant.
Coding change: c.954+260G>A on transcript NM_006859.4 (MANE Select); 260 bases into the intron after coding-DNA position 954, G replaced by A.
Molecular consequence: intron variant.
Genome position (GRCh38, 1-based): chr4:39,471,566, G>A. VCF-style: chr4-39471566-G-A. GRCh37 (hg19) VCF-style: chr4-39473186-G-A.
Other names: c.954+260G>A (NM_194451.3); c.825+260G>A (NM_001278590.2); c.645+260G>A (NM_001363700.2).
Identifiers: ClinVar variation 674124 (VCV000674124.1), dbSNP rs112244145, ClinGen allele CA95732284.
Genomic context (GRCh38, chr4:39,471,566, plus strand): 5'-ACATATATATAATTTTTTTTTTTTTTTTTTTTTTTTTTTGAGACGGAGTCTCGCTCTGTC[G>A]CCCAGGCTGGAGTGCAGTGGGGCAATCTCGGCTCACTGCAACCTCCACCTCCCAGGTTCA-3'